The following is an entry in ClinVar:

ClinVar aggregate classification (germline): Uncertain significance. Review status: criteria provided, multiple submitters, no conflicts (2 of 4 stars). 3 submissions from 2 submitters: Uncertain significance (3). Last evaluated 2025-10-09.

Conditions:
Gastrointestinal stromal tumor. Also called: Gastrointestinal stromal tumor, somatic; Gastrointestinal stroma tumor. Identifiers: Orphanet 44890, MedGen C0238198, MeSH D046152, MONDO:0011719, OMIM 606764, HP:0100723.
Idiopathic hypereosinophilic syndrome (HES). Identifiers: Orphanet 3260, MedGen C0206141, MONDO:0011895, OMIM 607685. Disease mechanism: gain of function.

Allele frequency attached by ClinVar (database versions not stated): gnomAD exomes below 0.00001.
gnomAD v4.1: 2 of 1,085,206 alleles (0.00018%); highest among the groups gnomAD compares: Middle Eastern, 0.02%; no homozygotes.

Submissions (3):

Labcorp Genetics (formerly Invitae), Labcorp
Classification: Uncertain significance for Gastrointestinal stromal tumor. Last evaluated: 2025-10-09. Review status: criteria provided, single submitter. Criteria: Invitae Variant Classification Sherloc (09022015). Collection method: clinical testing. Allele origin: germline.
Comment: This sequence change falls in intron 19 of the PDGFRA gene. It does not directly change the encoded amino acid sequence of the PDGFRA protein. It affects a nucleotide within the consensus splice site. This variant is present in population databases (no rsID available, gnomAD 0.0009%). This variant has not been reported in the literature in individuals affected with PDGFRA-related conditions. ClinVar contains an entry for this variant (Variation ID: 348907). Variants that disrupt the consensus splice site are a relatively common cause of aberrant splicing (PMID: 17576681, 9536098). Algorithms developed to predict the effect of sequence changes on RNA splicing suggest that this variant is not likely to affect RNA splicing. In summary, the available evidence is currently insufficient to determine the role of this variant in disease. Therefore, it has been classified as a Variant of Uncertain Significance.

Illumina Laboratory Services, Illumina
Classification: Uncertain significance for Gastrointestinal stromal tumor. Last evaluated: 2018-01-13. Review status: criteria provided, single submitter. Criteria: ICSL Variant Classification Criteria 13 December 2019. Collection method: clinical testing. Allele origin: germline.

Illumina Laboratory Services, Illumina
Classification: Uncertain significance for Idiopathic hypereosinophilic syndrome. Last evaluated: 2018-01-13. Review status: criteria provided, single submitter. Criteria: ICSL Variant Classification Criteria 13 December 2019. Collection method: clinical testing. Allele origin: germline.

Literature cited by the submitters: PubMed 17576681 (cited by Labcorp Genetics (formerly Invitae), Labcorp); PubMed 9536098 (cited by Labcorp Genetics (formerly Invitae), Labcorp).

NM_006206.6(PDGFRA):c.2674+6G>A

Gene: PDGFRA (platelet derived growth factor receptor alpha; plus strand). Cytogenetic location: 4q12.
Variant type: single nucleotide variant.
Coding change: c.2674+6G>A on transcript NM_006206.6 (MANE Select); 6 bases into the intron after coding-DNA position 2674, G replaced by A.
Molecular consequence: intron variant.
Genome position (GRCh38, 1-based): chr4:54,287,547, G>A. VCF-style: chr4-54287547-G-A. GRCh37 (hg19) VCF-style: chr4-55153714-G-A.
Other names: c.2749+6G>A (NM_001347828.2); c.2674+6G>A (NM_001347829.2); c.2713+6G>A (NM_001347830.2).
Identifiers: ClinVar variation 348907 (VCV000348907.12), dbSNP rs886059448, ClinGen allele CA10621189.